The following is an entry in ClinVar:

NM_006939.4(SOS2):c.49C>T (p.Pro17Ser)

Genes: SOS2 (SOS Ras/Rho guanine nucleotide exchange factor 2; minus strand), LOC130055588 (ATAC-STARR-seq lymphoblastoid silent region 5718; plus strand). Cytogenetic location: 14q21.3.
Variant type: single nucleotide variant.
Coding change: c.49C>T on transcript NM_006939.4 (MANE Select); coding-DNA position 49, C replaced by T.
Protein change: p.Pro17Ser; replaces proline 17 with serine.
Molecular consequence: missense variant.
Genome position (GRCh38, 1-based): chr14:50,231,235, G>A on the plus strand (C>T on the coding strand, the complement: SOS2 is on the minus strand). VCF-style: chr14-50231235-G-A. GRCh37 (hg19) VCF-style: chr14-50697953-G-A.
Other names: short protein forms P17S.
Identifiers: ClinVar variation 1402241 (VCV001402241.6), dbSNP rs750929787, ClinGen allele CA389657520.

ClinVar aggregate classification (germline): Uncertain significance (1 of 4 stars; one submission).

Conditions:
Noonan syndrome 9 (NS9). Identifiers: Orphanet 648, MedGen C4225282, MONDO:0014691, OMIM 616559.

gnomAD v4.1: 38 of 1,515,830 alleles (0.0025%); highest among the groups gnomAD compares: Non-Finnish European, 0.0033%; no homozygotes.

Submission:

Labcorp Genetics (formerly Invitae), Labcorp
Classification: Uncertain significance for Noonan syndrome 9. Last evaluated: 2025-06-15. Review status: criteria provided, single submitter. Criteria: Invitae Variant Classification Sherloc (09022015). Collection method: clinical testing. Allele origin: germline.
Comment: This sequence change replaces proline, which is neutral and non-polar, with serine, which is neutral and polar, at codon 17 of the SOS2 protein (p.Pro17Ser). This variant is not present in population databases (gnomAD no frequency). This variant has not been reported in the literature in individuals affected with SOS2-related conditions. ClinVar contains an entry for this variant (Variation ID: 1402241). Invitae Evidence Modeling of protein sequence and biophysical properties (such as structural, functional, and spatial information, amino acid conservation, physicochemical variation, residue mobility, and thermodynamic stability) indicates that this missense variant is not expected to disrupt SOS2 protein function with a negative predictive value of 95%. In summary, the available evidence is currently insufficient to determine the role of this variant in disease. Therefore, it has been classified as a Variant of Uncertain Significance.